The following is an entry in ClinVar:

ClinVar aggregate classification (germline): Conflicting classifications of pathogenicity. Review status: criteria provided, conflicting classifications (1 of 4 stars). 9 submissions from 9 submitters: Uncertain significance (6); Benign (1); Likely benign (1). 1 of the submissions does not count toward it. Last evaluated 2026-02-20.

Conditions:
TERT-related disorder. Also called: TERT-related condition; TERT-related disorders.
Dyskeratosis congenita, autosomal dominant 2. Identifiers: MedGen C3151443, MONDO:0013521, OMIM 613989.
Idiopathic Pulmonary Fibrosis. Also called: Idiopathic fibrosing alveolitis, chronic form; idiopathic fibrosing alveolitis. Identifiers: Orphanet 2032, MedGen C1800706, MeSH D054990, MONDO:0800504.
Pulmonary fibrosis and/or bone marrow failure, Telomere-related, 1. Also called: PULMONARY FIBROSIS AND/OR BONE MARROW FAILURE SYNDROME, TELOMERE-RELATED, 1. Identifiers: Orphanet 88, MedGen C3553617, MONDO:0013878, OMIM 614742.
Acute myeloid leukemia (AML). Also called: Leukemia, acute myeloid, somatic; Leukemia, acute myelogenous, somatic; Acute myeloid leukemia, adult; AML adult; Acute non-lymphocytic leukemia; Acute granulocytic leukemia. Identifiers: Orphanet 519, MedGen C0023467, MeSH D015470, MONDO:0018874, OMIM 601626, HP:0004808. Disease mechanism: Constitutively activated FLT3.
Melanoma, cutaneous malignant, susceptibility to, 9. Also called: Cutaneous malignant melanoma 9. Identifiers: Orphanet 618, MedGen C3554574, MONDO:0014056, OMIM 615134.
Dyskeratosis congenita. Identifiers: Orphanet 1775, MedGen C0265965, MONDO:0015780.
Aplastic anemia. Identifiers: Orphanet 182040, Orphanet 88, MedGen C0002874, MONDO:0015909, OMIM 609135, HP:0001915.

Allele frequency attached by ClinVar (database versions not stated): TOPMed 0.00018; ESP Exome Variant Server 0.00031; gnomAD exomes 0.00001 and 0.00007; gnomAD 0.00009; ExAC 0.00017.
gnomAD v4.1: 33 of 1,584,898 alleles (0.0021%); highest among the groups gnomAD compares: African/African-American, 0.034%; no homozygotes.

Submissions (9):

St. Jude Molecular Pathology, St. Jude Children's Research Hospital
Classification: Uncertain significance for Dyskeratosis congenita, autosomal dominant 2. Last evaluated: 2026-02-20. Review status: criteria provided, single submitter. Criteria: St. Jude Assertion Criteria 2020. Collection method: clinical testing. Allele origin: germline.
Comment: The TERT c.779G>A p.(Gly260Asp) missense change has a maximum subpopulation frequency of 0.07% in gnomAD v2.1.1. The in silico tool REVEL is inconclusive about a pathogenic or benign effect of th is variant on protein function, however functional studies in vitro show that this variant has no significant impact on either telomere overhang length or activation of WNT signaling (PMID:19674077, 24983628). This variant has been reported in an individ ual with aplastic anemia (PMID:19674077). In summary, the evidence currently available is insufficient to determine the clinical significance of this variant. It has therefore been classified as of uncertain significance.

Labcorp Genetics (formerly Invitae), Labcorp
Classification: Benign for Dyskeratosis congenita, autosomal dominant 2; Idiopathic Pulmonary Fibrosis. Last evaluated: 2025-09-28. Review status: criteria provided, single submitter. Criteria: Invitae Variant Classification Sherloc (09022015). Collection method: clinical testing. Allele origin: germline.

GeneDx
Classification: Uncertain significance. Last evaluated: 2025-08-14. Review status: criteria provided, single submitter. Criteria: GeneDx Variant Classification Process June 2021. Collection method: clinical testing. Allele origin: germline. Affected: yes.
Comment: Observed in individuals with aplastic anemia or neuroblastoma (PMID: 19674077, 26580448, 30523342); Published functional studies demonstrate no damaging effect: no impact on telomere overhang length or binding with BRG-1 and beta-catenin (PMID: 19674077, 24983628); In silico analysis indicates that this missense variant does not alter protein structure/function; This variant is associated with the following publications: (PMID: 19674077, 24983628, 23716176, 30791107, 30523342, 26580448)

Ambry Genetics
Classification: Likely benign for Dyskeratosis congenita. Last evaluated: 2024-08-29. Review status: criteria provided, single submitter. Criteria: Ambry Variant Classification Scheme 2023. Collection method: clinical testing. Allele origin: germline.

Fulgent Genetics
Classification: Uncertain significance for Acute myeloid leukemia; Dyskeratosis congenita, autosomal dominant 2; Pulmonary fibrosis and/or bone marrow failure, Telomere-related, 1; Melanoma, cutaneous malignant, susceptibility to, 9. Last evaluated: 2024-06-08. Review status: criteria provided, single submitter. Criteria: ACMG Guidelines, 2015. Collection method: clinical testing. Allele origin: germline.

Baylor Genetics
Classification: Uncertain significance for Aplastic anemia. Last evaluated: 2023-02-13. Review status: criteria provided, single submitter. Criteria: ACMG Guidelines, 2015. Collection method: clinical testing. Allele origin: unknown.

Sema4
Classification: Uncertain significance for Dyskeratosis congenita. Last evaluated: 2021-11-22. Review status: criteria provided, single submitter. Criteria: Sema4 Curation Guidelines. Collection method: curation. Allele origin: germline.
Comment: The TERT c.779G>A (p.G260D) variant has been reported in heterozygosity in at least three individuals with aplastic anemia, neroblastoma, or a suspected telomere disease (PMID: 19674077, 30791107, 26580448). An functional study demonstrated normal protein binding and Wnt signaling (PMID: 24983628). It was observed in 14/19740 chromosomes of the African/African American subpopulation, with no homozygotes, in the large and broad cohorts of the Genome Aggregation Database (PMID: 32461654). The variant has been reported in ClinVar (Variation ID: 471902). In silico predictions of the variant's effect on protein function are inconclusive. The evidence is insufficient to meet ACMG/AMP criteria for classifying the variant as benign or pathogenic. Thus, the clinical significance of this variant is currently uncertain.

Breakthrough Genomics
Classification: Uncertain significance. Review status: criteria provided, single submitter. Criteria: ACMG Guidelines, 2015. Collection method: not provided. Allele origin: germline. Inheritance: Autosomal recessive inheritance. Affected: yes.

PreventionGenetics, part of Exact Sciences
Classification: Uncertain significance for TERT-related condition. Last evaluated: 2024-08-19. Review status: no assertion criteria provided. Collection method: clinical testing. Allele origin: germline. Not counted in ClinVar's aggregate classification.
Comment: The TERT c.779G>A variant is predicted to result in the amino acid substitution p.Gly260Asp. Functional studies have shown that this variant has no impact on telomere overhang length or protein binding (Calado et al. 2009. PubMed ID: 19674077; Zhang et al. 2014. PubMed ID: 24983628). This variant is reported in 0.071% of alleles in individuals of African descent in gnomAD. This variant has conflicting interpretations in ClinVar regarding is pathogenicity, ranging from uncertain to benign. At this time, the clinical significance of this variant is uncertain due to the absence of conclusive functional and genetic evidence.

Literature cited by the submitters: PubMed 19674077 (cited by Sema4); PubMed 30791107 (cited by Sema4); PubMed 26580448 (cited by Sema4); PubMed 24983628 (cited by Sema4).

NM_198253.3(TERT):c.779G>A (p.Gly260Asp)

Gene: TERT (telomerase reverse transcriptase; minus strand). Cytogenetic location: 5p15.33.
Variant type: single nucleotide variant.
Coding change: c.779G>A on transcript NM_198253.3 (MANE Select); coding-DNA position 779, G replaced by A.
Protein change: p.Gly260Asp; replaces glycine 260 with aspartic acid.
Molecular consequence: missense variant. On other transcripts: non-coding transcript variant (2).
Genome position (GRCh38, 1-based): chr5:1,294,107, C>T on the plus strand (G>A on the coding strand, the complement: TERT is on the minus strand). VCF-style: chr5-1294107-C-T. GRCh37 (hg19) VCF-style: chr5-1294222-C-T.
Other names: c.779G>A, p.Gly260Asp (NM_001193376.3); short protein forms G260D.
Identifiers: ClinVar variation 471902 (VCV000471902.22), dbSNP rs148798048, ClinGen allele CA3184914.
Genomic context (GRCh38, chr5:1,294,107, plus strand): 5'-TCGGCGGGTCTGGCAGGTGACACCACACAGAAACCACGGTCACTCGGTCCACGCGTCCTG[C>T]CCGGGTGGGCCCAGGACCCCTGCCCAACGGGCGTCCGCTCCGGCTCAGGGGCAGCGCCAC-3'
Protein context (NP_937983.2, residues 250-270): PVGQGSWAHP[Gly260Asp]RTRGPSDRGF